The following is an entry in ClinVar:

ClinVar aggregate classification (germline): Uncertain significance. Review status: criteria provided, multiple submitters, no conflicts (2 of 4 stars). 4 submissions from 4 submitters: Uncertain significance (4). Last evaluated 2025-03-18.

Conditions:
Long QT syndrome (LQTS). Identifiers: MedGen C0023976, MeSH D008133, MONDO:0002442. Disease mechanism: loss of function. Inheritance: Various modes of inheritance.
Cardiovascular phenotype. Identifiers: MedGen CN230736.

Allele frequency attached by ClinVar (database versions not stated): ExAC 0.00001; gnomAD exomes 0.00001 and 0.00006; TOPMed 0.00003; gnomAD 0.00005 and 0.00006; ESP Exome Variant Server 0.00008.
gnomAD v4.1: 99 of 1,611,780 alleles (0.0061%); highest among the groups gnomAD compares: Non-Finnish European, 0.0081%; no homozygotes.

Submissions (4):

Ambry Genetics
Classification: Uncertain significance for Cardiovascular phenotype. Last evaluated: 2025-03-18. Review status: criteria provided, single submitter. Criteria: Ambry Variant Classification Scheme 2023. Collection method: clinical testing. Allele origin: germline.
Comment: The p.L3082F variant (also known as c.9244C>T), located in coding exon 38 of the AKAP9 gene, results from a C to T substitution at nucleotide position 9244. The leucine at codon 3082 is replaced by phenylalanine, an amino acid with highly similar properties. This amino acid position is conserved. In addition, this alteration is predicted to be tolerated by in silico analysis. Since supporting evidence is limited at this time, the clinical significance of this alteration remains unclear.

Labcorp Genetics (formerly Invitae), Labcorp
Classification: Uncertain significance for Long QT syndrome. Last evaluated: 2023-11-22. Review status: criteria provided, single submitter. Criteria: Invitae Variant Classification Sherloc (09022015). Collection method: clinical testing. Allele origin: germline.
Comment: This sequence change replaces leucine, which is neutral and non-polar, with phenylalanine, which is neutral and non-polar, at codon 3082 of the AKAP9 protein (p.Leu3082Phe). This variant is present in population databases (rs377611430, gnomAD 0.004%). This variant has not been reported in the literature in individuals affected with AKAP9-related conditions. ClinVar contains an entry for this variant (Variation ID: 573554). An algorithm developed to predict the effect of missense changes on protein structure and function (PolyPhen-2) suggests that this variant is likely to be tolerated. In summary, the available evidence is currently insufficient to determine the role of this variant in disease. Therefore, it has been classified as a Variant of Uncertain Significance.

Blueprint Genetics
Classification: Uncertain significance. Last evaluated: 2021-07-30. Review status: criteria provided, single submitter. Criteria: ACMG Guidelines, 2015. Collection method: clinical testing. Allele origin: germline.

Stanford Center for Inherited Cardiovascular Disease, Stanford University
Classification: Uncertain significance. Last evaluated: 2018-02-02. Review status: criteria provided, single submitter. Criteria: ACMG Guidelines, 2015. Collection method: provider interpretation. Allele origin: germline.

NM_005751.5(AKAP9):c.9244C>T (p.Leu3082Phe)

Gene: AKAP9 (A-kinase anchoring protein 9; plus strand). Cytogenetic location: 7q21.2.
Variant type: single nucleotide variant.
Coding change: c.9244C>T on transcript NM_005751.5 (MANE Select); coding-DNA position 9244, C replaced by T.
Protein change: p.Leu3082Phe; replaces leucine 3082 with phenylalanine.
Molecular consequence: missense variant.
Genome position (GRCh38, 1-based): chr7:92,089,415, C>T. VCF-style: chr7-92089415-C-T. GRCh37 (hg19) VCF-style: chr7-91718729-C-T.
Other names: c.3889C>T, p.Leu1297Phe (NM_001379277.1); c.9220C>T, p.Leu3074Phe (NM_147185.3); short protein forms L3082F, L3074F, L1297F.
Identifiers: ClinVar variation 573554 (VCV000573554.15), dbSNP rs377611430, ClinGen allele CA4337697.